The following is an entry in ClinVar:

NM_016441.3(CRIM1):c.2341G>A (p.Val781Ile)

Gene: CRIM1 (cysteine rich transmembrane BMP regulator 1). Cytogenetic location: 2p22.2.
Variant type: single nucleotide variant.
Coding change: c.2341G>A on transcript NM_016441.3 (MANE Select); coding-DNA position 2341, G replaced by A.
Protein change: p.Val781Ile; replaces valine 781 with isoleucine.
Molecular consequence: missense variant.
Genome position (GRCh38, 1-based): chr2:36,522,226, G>A. VCF-style: chr2-36522226-G-A. GRCh37 (hg19) VCF-style: chr2-36749369-G-A.
Other names: short protein forms V781I.
Identifiers: ClinVar variation 3050614 (VCV003050614.3), dbSNP rs59929305, ClinGen allele CA1610474.
Genomic context (GRCh38, chr2:36,522,226, plus strand): 5'-TTCCTGGCAGCTGAGTCCTGGAAGCCTGACGTTTGTACCAGCTGCATCTGCATTGATAGC[G>A]TAATTAGCTGTTTCTCTGAGTCCTGCCCTTCTGTATCCTGTGAAAGACCTGTCTTGAGAA-3'
Protein context (NP_057525.1, residues 771-791): VCTSCICIDS[Val781Ile]ISCFSESCPS

ClinVar aggregate classification (germline): Uncertain significance. Review status: criteria provided, single submitter (1 of 4 stars). 2 submissions from 2 submitters: Uncertain significance (1). 1 of the submissions does not count toward it. Last evaluated 2025-08-04.

Conditions:
CRIM1-related disorder. Also called: CRIM1-related condition.

Allele frequency attached by ClinVar (database versions not stated): ExAC 0.00047; gnomAD 0.00144; TOPMed 0.00190; 1000 Genomes Project 0.00200; ESP Exome Variant Server 0.00231; 1000 Genomes Project 30x 0.00265.
gnomAD v4.1: 531 of 1,614,102 alleles (0.033%); highest among the groups gnomAD compares: African/African-American, 0.54%; no homozygotes.

Submissions (2):

Ambry Genetics
Classification: Uncertain significance. Last evaluated: 2025-08-04. Review status: criteria provided, single submitter. Criteria: Ambry Variant Classification Scheme 2023. Collection method: clinical testing. Allele origin: germline.

PreventionGenetics, part of Exact Sciences
Classification: Likely benign for CRIM1-related condition. Last evaluated: 2024-07-10. Review status: no assertion criteria provided. Collection method: clinical testing. Allele origin: germline. Not counted in ClinVar's aggregate classification.
Comment: This variant is classified as likely benign based on ACMG/AMP sequence variant interpretation guidelines (Richards et al. 2015 PMID: 25741868, with internal and published modifications).